The following is an entry in ClinVar:

ClinVar aggregate classification (germline): Uncertain significance (1 of 4 stars; one submission).

Submission:

Labcorp Genetics (formerly Invitae), Labcorp
Classification: Uncertain significance. Last evaluated: 2022-08-02. Review status: criteria provided, single submitter. Criteria: Invitae Variant Classification Sherloc (09022015). Collection method: clinical testing. Allele origin: germline.
Comment: A copy number gain of the genomic region encompassing the full coding sequence of the KIF23 gene has been identified. The boundaries of this event are unknown as they extend beyond the assayed region for this gene and therefore may encompass additional genes. As the precise location of this event is unknown, it may be in tandem or it may be located elsewhere in the genome. This variant has not been reported in the literature in individuals affected with KIF23-related conditions. In summary, the available evidence is currently insufficient to determine the role of this variant in disease. Therefore, it has been classified as a Variant of Uncertain Significance.

NC_000015.9:g.(?_69706805)_(69740146_?)dup

Gene: KIF23 (kinesin family member 23; plus strand). Cytogenetic location: 15q23.
Variant type: Duplication.
Identifiers: ClinVar variation 2427246 (VCV002427246.4).